The following is an entry in ClinVar:

NM_007294.4(BRCA1):c.1341_1342insG (p.His448fs)

Gene: BRCA1 (BRCA1 DNA repair associated; minus strand). Cytogenetic location: 17q21.31.
Variant type: Insertion.
Coding change: c.1341_1342insG on transcript NM_007294.4 (MANE Select); coding-DNA positions 1341 to 1342, G inserted.
Protein change: p.His448fs; shifts the reading frame from histidine 448.
Molecular consequence: frameshift variant. On other transcripts: intron variant (137).
Genome position: GRCh38 VCF-style: chr17-43094189-G-GC. GRCh37 (hg19) VCF-style: chr17-41246206-G-GC.
Other names: c.1128_1129insG, p.His377fs (NM_001407571.1, NM_001407853.1, NM_001407894.1 and 9 more transcripts); c.1341_1342insG, p.His448fs (NM_001407581.1, NM_001407582.1, NM_001407583.1 and 30 more transcripts); c.1338_1339insG, p.His447fs (NM_001407587.1, NM_001407590.1, NM_001407591.1 and 22 more transcripts); c.1332_1333insG, p.His445fs (NM_001407646.1, NM_001407647.1); c.1218_1219insG, p.His407fs (NM_001407648.1, NM_001407666.1, NM_001407667.1 and 19 more transcripts); c.1215_1216insG, p.His406fs (NM_001407649.1, NM_001407670.1, NM_001407671.1 and 11 more transcripts); c.1263_1264insG, p.His422fs (NM_001407653.1, NM_001407654.1, NM_001407655.1 and 4 more transcripts); c.1200_1201insG, p.His401fs (NM_001407728.1, NM_001407729.1, NM_001407730.1 and 29 more transcripts); and 40 more; short protein forms H448fs, H401fs, H320fs, H321fs, H378fs, H280fs, H337fs, H377fs.
Identifiers: ClinVar variation 548290 (VCV000548290.2), dbSNP rs1555591909, ClinGen allele CA658824528.

ClinVar aggregate classification (germline): Pathogenic (3 of 4 stars; one submission).

Conditions:
Breast-ovarian cancer, familial, susceptibility to, 1 (BROVCA1). Also called: BRCA1 Hereditary Breast and Ovarian Cancer; OVARIAN CANCER, SUSCEPTIBILITY TO. Identifiers: Orphanet 145, MedGen C2676676, MONDO:0011450, OMIM 604370. Disease mechanism: loss of function.

Submission:

Evidence-based Network for the Interpretation of Germline Mutant Alleles (ENIGMA)
Classification: Pathogenic for Breast-ovarian cancer, familial, susceptibility to, 1. Last evaluated: 2017-12-15. Review status: reviewed by expert panel. Criteria: ENIGMA BRCA1/2 Classification Criteria (2017-06-29). Collection method: curation. Allele origin: germline. Study: ENIGMA.
Comment: Variant allele predicted to encode a truncated non-functional protein.